The following is an entry in ClinVar:

NM_001009944.3(PKD1):c.1944T>C (p.Pro648=)

Gene: PKD1 (polycystin 1, transient receptor potential channel interacting; minus strand). Cytogenetic location: 16p13.3.
Variant type: single nucleotide variant.
Coding change: c.1944T>C on transcript NM_001009944.3 (MANE Select); coding-DNA position 1944, T replaced by C.
Protein change: p.Pro648=; no amino-acid change (proline 648 retained).
Molecular consequence: synonymous variant.
Genome position (GRCh38, 1-based): chr16:2,115,531, A>G on the plus strand (T>C on the coding strand, the complement: PKD1 is on the minus strand). VCF-style: chr16-2115531-A-G. GRCh37 (hg19) VCF-style: chr16-2165532-A-G.
Other names: c.1944T>C, p.Pro648= (NM_000296.4).
Identifiers: ClinVar variation 3896517 (VCV003896517.2).

ClinVar aggregate classification (germline): Likely benign (1 of 4 stars; one submission).

gnomAD v4.1: 32 of 1,595,052 alleles (0.002%); highest among the groups gnomAD compares: Non-Finnish European, 0.0026%; no homozygotes.

Submission:

Women's Health and Genetics/Laboratory Corporation of America, LabCorp
Classification: Likely benign. Last evaluated: 2025-04-03. Review status: criteria provided, single submitter. Criteria: LabCorp Variant Classification Summary - May 2015. Collection method: clinical testing. Allele origin: germline.
Comment: Variant summary: PKD1 c.1944T>C alters a non-conserved nucleotide resulting in a synonymous change. Consensus agreement among computation tools predict no significant impact on normal splicing. However, these predictions have yet to be confirmed by functional studies. The variant allele was found at a frequency of 1.8e-05 in 170210 control chromosomes. The available data on variant occurrences in the general population are insufficient to allow any conclusion about variant significance. To our knowledge, no occurrence of c.1944T>C in individuals affected with PKD1-related conditions and no experimental evidence demonstrating its impact on protein function have been reported. No submitters have cited clinical-significance assessments for this variant to ClinVar. Based on the evidence outlined above, the variant was classified as likely benign.